The following is an entry in ClinVar:

ClinVar aggregate classification (germline): Uncertain significance (1 of 4 stars; one submission).

Conditions:
Dyskeratosis congenita. Identifiers: Orphanet 1775, MedGen C0265965, MONDO:0015780.

Submission:

Labcorp Genetics (formerly Invitae), Labcorp
Classification: Uncertain significance for Dyskeratosis congenita. Last evaluated: 2018-09-03. Review status: criteria provided, single submitter. Criteria: Invitae Variant Classification Sherloc (09022015). Collection method: clinical testing. Allele origin: germline.
Comment: This variant has not been reported in the literature in individuals with CTC1-related disease. In summary, the available evidence is currently insufficient to determine the role of this variant in disease. Therefore, it has been classified as a Variant of Uncertain Significance. Nucleotide substitutions within the consensus splice site are a relatively common cause of aberrant splicing (PMID: 17576681, 9536098). Algorithms developed to predict the effect of sequence changes on RNA splicing suggest that this variant is not likely to affect RNA splicing, but this prediction has not been confirmed by published transcriptional studies. This variant is not present in population databases (ExAC no frequency). This sequence change falls in intron 19 of the CTC1 gene. It does not directly change the encoded amino acid sequence of the CTC1 protein, but it affects a nucleotide within the consensus splice site of the intron.

Literature cited by the submitters: PubMed 17576681; PubMed 9536098.

NM_025099.6(CTC1):c.3156+6G>A

Gene: CTC1 (CST telomere replication complex component 1; minus strand). Cytogenetic location: 17p13.1.
Variant type: single nucleotide variant.
Coding change: c.3156+6G>A on transcript NM_025099.6 (MANE Select); 6 bases into the intron after coding-DNA position 3156, G replaced by A.
Molecular consequence: intron variant.
Genome position (GRCh38, 1-based): chr17:8,229,296, C>T on the plus strand (G>A on the coding strand, the complement: CTC1 is on the minus strand). VCF-style: chr17-8229296-C-T. GRCh37 (hg19) VCF-style: chr17-8132614-C-T.
Other names: c.3156+6G>A (LRG_1124t1).
Identifiers: ClinVar variation 650034 (VCV000650034.8), dbSNP rs1597374105, ClinGen allele CA915949559.
Genomic context (GRCh38, chr17:8,229,296, plus strand): 5'-CTCTTGGTCCCATCACATCCCTCTGGCACTCCATACTCAGTTCAGCCTGTTCCTTCCCTC[C>T]CTTACCTGCCGGCAGATGCTGGTACAATAAGCACACACCCAGAAGAGCTGAAGGCTGAAG-3'